The following is an entry in ClinVar:

NM_020831.6(MRTFA):c.2110C>G (p.Pro704Ala)

Gene: MRTFA (myocardin related transcription factor A; minus strand). Cytogenetic location: 22q13.1.
Variant type: single nucleotide variant.
Coding change: c.2110C>G on transcript NM_020831.6 (MANE Select); coding-DNA position 2110, C replaced by G.
Protein change: p.Pro704Ala; replaces proline 704 with alanine.
Molecular consequence: missense variant.
Genome position (GRCh38, 1-based): chr22:40,418,628, G>C on the plus strand (C>G on the coding strand, the complement: MRTFA is on the minus strand). VCF-style: chr22-40418628-G-C. GRCh37 (hg19) VCF-style: chr22-40814632-G-C.
Other names: c.1810C>G, p.Pro604Ala (NM_001282660.2); c.1960C>G, p.Pro654Ala (NM_001282661.3); c.2110C>G, p.Pro704Ala (NM_001282662.3); c.1915C>G, p.Pro639Ala (NM_001318139.2); short protein forms P604A, P654A, P639A, P704A.
Identifiers: ClinVar variation 2028186 (VCV002028186.4), dbSNP rs1349380167, ClinGen allele CA411658347.

ClinVar aggregate classification (germline): Uncertain significance (1 of 4 stars; one submission).

gnomAD v4.1: 1 of 1,530,842 alleles (0.000065%); highest among the groups gnomAD compares: Non-Finnish European, 0.000087%; no homozygotes.

Submission:

Labcorp Genetics (formerly Invitae), Labcorp
Classification: Uncertain significance. Last evaluated: 2022-08-31. Review status: criteria provided, single submitter. Criteria: Invitae Variant Classification Sherloc (09022015). Collection method: clinical testing. Allele origin: germline.
Comment: In summary, the available evidence is currently insufficient to determine the role of this variant in disease. Therefore, it has been classified as a Variant of Uncertain Significance. Algorithms developed to predict the effect of missense changes on protein structure and function (SIFT, PolyPhen-2, Align-GVGD) all suggest that this variant is likely to be tolerated. This variant has not been reported in the literature in individuals affected with MKL1-related conditions. This variant is not present in population databases (gnomAD no frequency). This sequence change replaces proline, which is neutral and non-polar, with alanine, which is neutral and non-polar, at codon 604 of the MKL1 protein (p.Pro604Ala).